The following is an entry in ClinVar:

ClinVar aggregate classification (germline): Uncertain significance. Review status: criteria provided, multiple submitters, no conflicts (2 of 4 stars). 2 submissions from 2 submitters: Uncertain significance (2). Last evaluated 2024-09-10.

Conditions:
Cone-rod dystrophy 6 (CORD6). Also called: Cone dystrophy progressive; RETINAL CONE DYSTROPHY 2. Identifiers: Orphanet 1872, MedGen C1866293, MONDO:0011143, OMIM 601777.
Leber congenital amaurosis 1 (LCA1). Also called: Congenital absence of the rods and cones; Leber's congenital tapetoretinal degeneration; Leber's congenital tapetoretinal dysplasia; AMAUROSIS CONGENITA OF LEBER I; RETINAL BLINDNESS, CONGENITAL. Identifiers: Orphanet 65, MedGen C2931258, MONDO:0008764, OMIM 204000.

Allele frequency attached by ClinVar (database versions not stated): gnomAD exomes below 0.00001; gnomAD 0.00001; TOPMed 0.00001.
gnomAD v4.1: 4 of 1,613,924 alleles (0.00025%); highest among the groups gnomAD compares: Admixed American, 0.0033%; no homozygotes.

Submissions (2):

Blueprint Genetics
Classification: Uncertain significance. Last evaluated: 2024-09-10. Review status: criteria provided, single submitter. Criteria: ACMG Guidelines, 2015. Collection method: clinical testing. Allele origin: germline.

Labcorp Genetics (formerly Invitae), Labcorp
Classification: Uncertain significance for Leber congenital amaurosis 1; Cone-rod dystrophy 6. Last evaluated: 2024-06-20. Review status: criteria provided, single submitter. Criteria: Invitae Variant Classification Sherloc (09022015). Collection method: clinical testing. Allele origin: germline.
Comment: This sequence change replaces methionine, which is neutral and non-polar, with valine, which is neutral and non-polar, at codon 895 of the GUCY2D protein (p.Met895Val). This variant is present in population databases (no rsID available, gnomAD 0.003%). This variant has not been reported in the literature in individuals affected with GUCY2D-related conditions. ClinVar contains an entry for this variant (Variation ID: 1445945). Advanced modeling of protein sequence and biophysical properties (such as structural, functional, and spatial information, amino acid conservation, physicochemical variation, residue mobility, and thermodynamic stability) performed at Invitae indicates that this missense variant is not expected to disrupt GUCY2D protein function with a negative predictive value of 80%. In summary, the available evidence is currently insufficient to determine the role of this variant in disease. Therefore, it has been classified as a Variant of Uncertain Significance.

NM_000180.4(GUCY2D):c.2683A>G (p.Met895Val)

Gene: GUCY2D (guanylate cyclase 2D, retinal; plus strand). Cytogenetic location: 17p13.1.
Variant type: single nucleotide variant.
Coding change: c.2683A>G on transcript NM_000180.4 (MANE Select); coding-DNA position 2683, A replaced by G.
Protein change: p.Met895Val; replaces methionine 895 with valine.
Molecular consequence: missense variant.
Genome position (GRCh38, 1-based): chr17:8,014,965, A>G. VCF-style: chr17-8014965-A-G. GRCh37 (hg19) VCF-style: chr17-7918283-A-G.
Other names: short protein forms M895V.
Identifiers: ClinVar variation 1445945 (VCV001445945.6), dbSNP rs1180472258, ClinGen allele CA397954090.